The following is an entry in ClinVar:

NM_001267550.2(TTN):c.96141G>A (p.Thr32047=)

Genes: TTN-AS1 (TTN antisense RNA 1; plus strand), TTN (titin; minus strand), LOC126806421 (CDK7 strongly-dependent group 2 enhancer GRCh37_chr2:179407630-179408829; plus strand). Cytogenetic location: 2q31.2.
Variant type: single nucleotide variant.
Coding change: c.96141G>A on transcript NM_001267550.2 (MANE Select); coding-DNA position 96141, G replaced by A.
Protein change: p.Thr32047=; no amino-acid change (threonine 32047 retained).
Molecular consequence: synonymous variant.
Genome position (GRCh38, 1-based): chr2:178,544,003, C>T on the plus strand (G>A on the coding strand, the complement: TTN is on the minus strand). VCF-style: chr2-178544003-C-T. GRCh37 (hg19) VCF-style: chr2-179408730-C-T.
Other names: c.91218G>A, p.Thr30406= (NM_001256850.1); c.68946G>A, p.Thr22982= (NM_003319.4); c.88437G>A, p.Thr29479= (NM_133378.4); c.69321G>A, p.Thr23107= (NM_133432.3); c.69522G>A, p.Thr23174= (NM_133437.4).
Identifiers: ClinVar variation 701385 (VCV000701385.20), dbSNP rs752553035, ClinGen allele CA1986813.

ClinVar aggregate classification (germline): Likely benign. Review status: criteria provided, multiple submitters, no conflicts (2 of 4 stars). 5 submissions from 5 submitters: Likely benign (3). 2 of the submissions do not count toward it. Last evaluated 2026-02-01.

Conditions:
Cardiovascular phenotype. Identifiers: MedGen CN230736.
Autosomal recessive limb-girdle muscular dystrophy type 2J (LGMDR10). Also called: Limb-girdle muscular dystrophy, type 2J; MUSCULAR DYSTROPHY, LIMB-GIRDLE, AUTOSOMAL RECESSIVE 10. Identifiers: Orphanet 140922, MedGen C1837342, MONDO:0012127, OMIM 608807.
Dilated cardiomyopathy 1G (CMD1G). Identifiers: Orphanet 154, MedGen C1858763, MONDO:0011400, OMIM 604145.

Allele frequency attached by ClinVar (database versions not stated): gnomAD exomes below 0.00001 and 0.00001; ExAC 0.00001; gnomAD 0.00001; TOPMed 0.00001.
gnomAD v4.1: 15 of 1,613,652 alleles (0.00093%); highest among the groups gnomAD compares: Middle Eastern, 0.033%; no homozygotes.

Submissions (5):

CeGaT Center for Human Genetics Tuebingen
Classification: Likely benign. Last evaluated: 2026-02-01. Review status: criteria provided, single submitter. Criteria: CeGaT Center For Human Genetics Tuebingen Variant Classification Criteria Version 2. Collection method: clinical testing. Allele origin: germline. Affected: yes. Observed: 1 variant allele.
Comment: TTN: BP4, BP7

Labcorp Genetics (formerly Invitae), Labcorp
Classification: Likely benign for Dilated cardiomyopathy 1G; Autosomal recessive limb-girdle muscular dystrophy type 2J. Last evaluated: 2025-01-23. Review status: criteria provided, single submitter. Criteria: Invitae Variant Classification Sherloc (09022015). Collection method: clinical testing. Allele origin: germline.

Ambry Genetics
Classification: Likely benign for Cardiovascular phenotype. Last evaluated: 2020-10-22. Review status: criteria provided, single submitter. Criteria: Ambry Variant Classification Scheme 2023. Collection method: clinical testing. Allele origin: germline.

Clinical Genetics DNA and cytogenetics Diagnostics Lab, Erasmus MC, Erasmus Medical Center
Classification: Likely benign. Review status: no assertion criteria provided. Collection method: clinical testing. Allele origin: germline. Affected: yes. Study: VKGL Data-share Consensus. Not counted in ClinVar's aggregate classification.

Joint Genome Diagnostic Labs from Nijmegen and Maastricht, Radboudumc and MUMC+
Classification: Benign. Review status: no assertion criteria provided. Collection method: clinical testing. Allele origin: germline. Affected: yes. Study: VKGL Data-share Consensus. Not counted in ClinVar's aggregate classification.